The following is an entry in ClinVar:

NM_000388.4(CASR):c.1764C>A (p.Asp588Glu)

Gene: CASR (calcium sensing receptor; plus strand). Cytogenetic location: 3q21.1.
Variant type: single nucleotide variant.
Coding change: c.1764C>A on transcript NM_000388.4 (MANE Select); coding-DNA position 1764, C replaced by A.
Protein change: p.Asp588Glu; replaces aspartic acid 588 with glutamic acid.
Molecular consequence: missense variant.
Genome position (GRCh38, 1-based): chr3:122,283,718, C>A. VCF-style: chr3-122283718-C-A. GRCh37 (hg19) VCF-style: chr3-122002565-C-A.
Other names: c.1794C>A, p.Asp598Glu (NM_001178065.2); short protein forms D588E, D598E.
Identifiers: ClinVar variation 1779636 (VCV001779636.2), dbSNP rs1270715219, ClinGen allele CA354157227.

ClinVar aggregate classification (germline): Uncertain significance (1 of 4 stars; one submission).

Conditions:
Nephrolithiasis/nephrocalcinosis. Identifiers: MedGen CN580796.

Allele frequency attached by ClinVar (database versions not stated): TOPMed below 0.00001.
gnomAD v4.1: 1 of 1,614,176 alleles (0.000062%); highest among the groups gnomAD compares: African/African-American, 0.0013%; no homozygotes.

Submission:

Ambry Genetics
Classification: Uncertain significance for Nephrolithiasis/nephrocalcinosis. Last evaluated: 2022-07-26. Review status: criteria provided, single submitter. Criteria: Ambry Variant Classification Scheme 2023. Collection method: clinical testing. Allele origin: germline.
Comment: The p.D588E variant (also known as c.1764C>A), located in coding exon 6 of the CASR gene, results from a C to A substitution at nucleotide position 1764. The aspartic acid at codon 588 is replaced by glutamic acid, an amino acid with highly similar properties. This amino acid position is conserved. In addition, the in silico prediction for this alteration is inconclusive. Since supporting evidence is limited at this time, the clinical significance of this alteration remains unclear.